The following is an entry in ClinVar:

NM_152383.5(DIS3L2):c.1455C>G (p.Ile485Met)

Gene: DIS3L2 (DIS3 like 3'-5' exoribonuclease 2; plus strand). Cytogenetic location: 2q37.1.
Variant type: single nucleotide variant.
Coding change: c.1455C>G on transcript NM_152383.5 (MANE Select); coding-DNA position 1455, C replaced by G.
Protein change: p.Ile485Met; replaces isoleucine 485 with methionine.
Molecular consequence: missense variant. On other transcripts: non-coding transcript variant (2).
Genome position (GRCh38, 1-based): chr2:232,263,236, C>G. VCF-style: chr2-232263236-C-G. GRCh37 (hg19) VCF-style: chr2-233127946-C-G.
Other names: c.1455C>G, p.Ile485Met (NM_001257281.2); short protein forms I485M.
Identifiers: ClinVar variation 2818055 (VCV002818055.3), dbSNP rs2470079032, ClinGen allele CA350975203.
Genomic context (GRCh38, chr2:232,263,236, plus strand): 5'-CAATTCCCTTGTAATCTGTCCATCTTTGCAGATCCTTGATGAATGGTTTGGCCGGACCAT[C>G]ATCCGCTCCTGCACCAAACTTAGCTACGAGCATGCACAGAGCATGATTGAAAGCCCAACT-3'
Protein context (NP_689596.4, residues 475-495): KILDEWFGRT[Ile485Met]IRSCTKLSYE

ClinVar aggregate classification (germline): Uncertain significance (1 of 4 stars; one submission).

Conditions:
Perlman syndrome (PRLMNS). Identifiers: Orphanet 2849, MedGen C0796113, MONDO:0009965, OMIM 267000.

Allele frequency attached by ClinVar (database versions not stated): gnomAD exomes below 0.00001.
gnomAD v4.1: 2 of 1,614,238 alleles (0.00012%); highest among the groups gnomAD compares: Non-Finnish European, 0.00017%; no homozygotes.

Submission:

Labcorp Genetics (formerly Invitae), Labcorp
Classification: Uncertain significance for Perlman syndrome. Last evaluated: 2024-03-14. Review status: criteria provided, single submitter. Criteria: Invitae Variant Classification Sherloc (09022015). Collection method: clinical testing. Allele origin: germline.
Comment: This sequence change replaces isoleucine, which is neutral and non-polar, with methionine, which is neutral and non-polar, at codon 485 of the DIS3L2 protein (p.Ile485Met). This variant is not present in population databases (gnomAD no frequency). This variant has not been reported in the literature in individuals affected with DIS3L2-related conditions. Advanced modeling of protein sequence and biophysical properties (such as structural, functional, and spatial information, amino acid conservation, physicochemical variation, residue mobility, and thermodynamic stability) performed at Invitae indicates that this missense variant is not expected to disrupt DIS3L2 protein function with a negative predictive value of 80%. In summary, the available evidence is currently insufficient to determine the role of this variant in disease. Therefore, it has been classified as a Variant of Uncertain Significance.